The following is an entry in ClinVar:

ClinVar aggregate classification (germline): Likely benign. Review status: criteria provided, single submitter (1 of 4 stars). 2 submissions from 2 submitters: Likely benign (1). 1 of the submissions does not count toward it. Last evaluated 2023-04-06.

Conditions:
UNC45A-related disorder. Also called: UNC45A-related condition.

Allele frequency attached by ClinVar (database versions not stated): gnomAD 0.00001; TOPMed 0.00001; ExAC 0.00002.
gnomAD v4.1: 12 of 1,613,976 alleles (0.00074%); highest among the groups gnomAD compares: African/African-American, 0.008%; no homozygotes.

Submissions (2):

Labcorp Genetics (formerly Invitae), Labcorp
Classification: Likely benign. Last evaluated: 2023-04-06. Review status: criteria provided, single submitter. Criteria: Invitae Variant Classification Sherloc (09022015). Collection method: clinical testing. Allele origin: germline.

PreventionGenetics, part of Exact Sciences
Classification: Likely benign for UNC45A-related condition. Last evaluated: 2019-07-11. Review status: no assertion criteria provided. Collection method: clinical testing. Allele origin: germline. Not counted in ClinVar's aggregate classification.
Comment: This variant is classified as likely benign based on ACMG/AMP sequence variant interpretation guidelines (Richards et al. 2015 PMID: 25741868, with internal and published modifications).

NM_018671.5(UNC45A):c.1515C>T (p.Leu505=)

Gene: UNC45A (unc-45 myosin chaperone A; plus strand). Cytogenetic location: 15q26.1.
Variant type: single nucleotide variant.
Coding change: c.1515C>T on transcript NM_018671.5 (MANE Select); coding-DNA position 1515, C replaced by T.
Protein change: p.Leu505=; no amino-acid change (leucine 505 retained).
Molecular consequence: synonymous variant.
Genome position (GRCh38, 1-based): chr15:90,947,810, C>T. VCF-style: chr15-90947810-C-T. GRCh37 (hg19) VCF-style: chr15-91491040-C-T.
Other names: c.1470C>T, p.Leu490= (NM_001039675.2, NM_001323621.2); c.1515C>T, p.Leu505= (NM_001323619.1); c.1080C>T, p.Leu360= (NM_001323620.2).
Identifiers: ClinVar variation 2198343 (VCV002198343.6), dbSNP rs747404609, ClinGen allele CA7742943.